The following is an entry in ClinVar:

NM_001330700.2(TOP2B):c.3709C>T (p.Pro1237Ser)

Gene: TOP2B (DNA topoisomerase II beta; minus strand). Cytogenetic location: 3p24.2.
Variant type: single nucleotide variant.
Coding change: c.3709C>T on transcript NM_001330700.2 (MANE Select); coding-DNA position 3709, C replaced by T.
Protein change: p.Pro1237Ser; replaces proline 1237 with serine.
Molecular consequence: missense variant.
Genome position (GRCh38, 1-based): chr3:25,612,592, G>A on the plus strand (C>T on the coding strand, the complement: TOP2B is on the minus strand). VCF-style: chr3-25612592-G-A. GRCh37 (hg19) VCF-style: chr3-25654083-G-A.
Other names: c.3694C>T, p.Pro1232Ser (NM_001068.3); short protein forms P1232S, P1237S.
Identifiers: ClinVar variation 3708661 (VCV003708661.2).

ClinVar aggregate classification (germline): Uncertain significance (1 of 4 stars; one submission).

Submission:

Labcorp Genetics (formerly Invitae), Labcorp
Classification: Uncertain significance. Last evaluated: 2024-09-21. Review status: criteria provided, single submitter. Criteria: Invitae Variant Classification Sherloc (09022015). Collection method: clinical testing. Allele origin: germline.
Comment: This sequence change replaces proline, which is neutral and non-polar, with serine, which is neutral and polar, at codon 1232 of the TOP2B protein (p.Pro1232Ser). This variant is present in population databases (rs555678688, gnomAD 0.007%). This variant has not been reported in the literature in individuals affected with TOP2B-related conditions. An algorithm developed to predict the effect of missense changes on protein structure and function (PolyPhen-2) suggests that this variant is likely to be tolerated. In summary, the available evidence is currently insufficient to determine the role of this variant in disease. Therefore, it has been classified as a Variant of Uncertain Significance.